The following is an entry in ClinVar:

ClinVar aggregate classification (germline): Uncertain significance (1 of 4 stars; one submission).

gnomAD v4.1: 6 of 1,594,474 alleles (0.00038%); highest among the groups gnomAD compares: Admixed American, 0.005%; no homozygotes.

Submission:

Labcorp Genetics (formerly Invitae), Labcorp
Classification: Uncertain significance. Last evaluated: 2022-03-28. Review status: criteria provided, single submitter. Criteria: Invitae Variant Classification Sherloc (09022015). Collection method: clinical testing. Allele origin: germline.
Comment: This sequence change replaces serine, which is neutral and polar, with glycine, which is neutral and non-polar, at codon 235 of the SI protein (p.Ser235Gly). This variant is present in population databases (no rsID available, gnomAD 0.003%). This variant has not been reported in the literature in individuals affected with SI-related conditions. Advanced modeling of protein sequence and biophysical properties (such as structural, functional, and spatial information, amino acid conservation, physicochemical variation, residue mobility, and thermodynamic stability) performed at Invitae indicates that this missense variant is expected to disrupt SI protein function. Algorithms developed to predict the effect of sequence changes on RNA splicing suggest that this variant may create or strengthen a splice site. In summary, the available evidence is currently insufficient to determine the role of this variant in disease. Therefore, it has been classified as a Variant of Uncertain Significance.

NM_001041.4(SI):c.703A>G (p.Ser235Gly)

Gene: SI (sucrase-isomaltase; minus strand). Cytogenetic location: 3q26.1.
Variant type: single nucleotide variant.
Coding change: c.703A>G on transcript NM_001041.4 (MANE Select); coding-DNA position 703, A replaced by G.
Protein change: p.Ser235Gly; replaces serine 235 with glycine.
Molecular consequence: missense variant.
Genome position (GRCh38, 1-based): chr3:165,065,365, T>C on the plus strand (A>G on the coding strand, the complement: SI is on the minus strand). VCF-style: chr3-165065365-T-C. GRCh37 (hg19) VCF-style: chr3-164783153-T-C.
Other names: short protein forms S235G.
Identifiers: ClinVar variation 1916963 (VCV001916963.2), dbSNP rs1389566369, ClinGen allele CA355032805.
Genomic context (GRCh38, chr3:165,065,365, plus strand): 5'-AGGATAAATCATGACGAAATCTCTTATGAACTTGTTCTCCAATACCATAAATATAATCAC[T>C]TGGAAGACGGGTTGAGATCTGTAAGTACTGGTCAGAGTACACTAAGGGACCAATGCTGGT-3'
Protein context (NP_001032.2, residues 225-245): QYLQISTRLP[Ser235Gly]DYIYGIGEQV